The following is an entry in ClinVar:

ClinVar aggregate classification (germline): Uncertain significance (1 of 4 stars; one submission).

Conditions:
Cardiovascular phenotype. Identifiers: MedGen CN230736.

Submission:

Ambry Genetics
Classification: Uncertain significance for Cardiovascular phenotype. Last evaluated: 2021-06-23. Review status: criteria provided, single submitter. Criteria: Ambry Variant Classification Scheme 2023. Collection method: clinical testing. Allele origin: germline.
Comment: The p.A155T variant (also known as c.463G>A), located in coding exon 4 of the DSP gene, results from a G to A substitution at nucleotide position 463. The alanine at codon 155 is replaced by threonine, an amino acid with similar properties. This amino acid position is conserved. In addition, the in silico prediction for this alteration is inconclusive. Since supporting evidence is limited at this time, the clinical significance of this alteration remains unclear.

NM_004415.4(DSP):c.463G>A (p.Ala155Thr)

Gene: DSP (desmoplakin; plus strand). Cytogenetic location: 6p24.3.
Variant type: single nucleotide variant.
Coding change: c.463G>A on transcript NM_004415.4 (MANE Select); coding-DNA position 463, G replaced by A.
Protein change: p.Ala155Thr; replaces alanine 155 with threonine.
Molecular consequence: missense variant.
Genome position (GRCh38, 1-based): chr6:7,559,266, G>A. VCF-style: chr6-7559266-G-A. GRCh37 (hg19) VCF-style: chr6-7559499-G-A.
Other names: c.463G>A, p.Ala155Thr (NM_001008844.3, NM_001319034.2, NM_001406591.1); short protein forms A155T.
Identifiers: ClinVar variation 1742092 (VCV001742092.2), dbSNP rs2533853333, ClinGen allele CA362672211.